The following is an entry in ClinVar:

ClinVar aggregate classification (germline): Likely benign (1 of 4 stars; one submission).

Conditions:
Growth delay due to insulin-like growth factor type 1 deficiency (IGF1D). Also called: GROWTH RETARDATION WITH SENSORINEURAL DEAFNESS AND MENTAL RETARDATION; IGF1 DEFICIENCY. Identifiers: Orphanet 73272, MedGen C1837475, MONDO:0012110, OMIM 608747.

Allele frequency attached by ClinVar (database versions not stated): gnomAD 0.00230 and 0.00250; 1000 Genomes Project 0.00260; TOPMed 0.00271; 1000 Genomes Project 30x 0.00297.

Submission:

Illumina Laboratory Services, Illumina
Classification: Likely benign for Growth delay due to insulin-like growth factor type 1 deficiency. Last evaluated: 2018-01-12. Review status: criteria provided, single submitter. Criteria: ICSL Variant Classification Criteria 13 December 2019. Collection method: clinical testing. Allele origin: germline.
Comment: This variant was observed in the ICSL laboratory as part of a predisposition screen in an ostensibly healthy population. It had not been previously curated by ICSL or reported in the Human Gene Mutation Database (HGMD: prior to June 1st, 2018), and was therefore a candidate for classification through an automated scoring system. Utilizing variant allele frequency, disease prevalence and penetrance estimates, and inheritance mode, an automated score was calculated to assess if this variant is too frequent to cause the disease. Based on the score and internal cut-off values, a variant classified as likely benign is not then subjected to further curation. The score for this variant resulted in a classification of likely benign for this disease.

NM_000618.5(IGF1):c.*4008C>T

Genes: LINC02456 (long intergenic non-protein coding RNA 2456; plus strand), IGF1 (insulin like growth factor 1; minus strand). Cytogenetic location: 12q23.2.
Variant type: single nucleotide variant.
Coding change: c.*4008C>T on transcript NM_000618.5 (MANE Select); 4008 bases downstream of the stop codon, C replaced by T.
Molecular consequence: 3 prime UTR variant.
Genome position (GRCh38, 1-based): chr12:102,398,499, G>A on the plus strand (C>T on the coding strand, the complement: IGF1 is on the minus strand). VCF-style: chr12-102398499-G-A. GRCh37 (hg19) VCF-style: chr12-102792277-G-A.
Other names: c.*4042C>T (NM_001111283.3); c.*4008C>T (NM_001111284.2).
Identifiers: ClinVar variation 306861 (VCV000306861.5), dbSNP rs58690284, ClinGen allele CA10636202.